The following is an entry in ClinVar:

ClinVar aggregate classification (germline): Conflicting classifications of pathogenicity. Review status: criteria provided, conflicting classifications (1 of 4 stars). 2 submissions from 1 submitter: Uncertain significance (1); Benign (1). Last evaluated 2018-01-13.

Conditions:
Tangier disease (TGD). Also called: HIGH DENSITY LIPOPROTEIN DEFICIENCY, TANGIER TYPE; HIGH DENSITY LIPOPROTEIN DEFICIENCY, TYPE 1; Cholesterol thesaurismosis. Identifiers: Orphanet 31150, MedGen C0039292, MONDO:0008783, OMIM 205400.
Hypoalphalipoproteinemia, primary, 1. Identifiers: Orphanet 425, MedGen C5231558, MONDO:0011393, OMIM 604091.

Allele frequency attached by ClinVar (database versions not stated): gnomAD 0.00023; TOPMed 0.00025; 1000 Genomes Project 30x 0.00031; 1000 Genomes Project 0.00040.
gnomAD v4.1: 35 of 152,596 alleles (0.023%); highest among the groups gnomAD compares: Non-Finnish European, 0.0074%; no homozygotes.

Submissions (2):

Illumina Laboratory Services, Illumina
Classification: Uncertain significance for Tangier disease. Last evaluated: 2018-01-13. Review status: criteria provided, single submitter. Criteria: ICSL Variant Classification Criteria 13 December 2019. Collection method: clinical testing. Allele origin: germline.

Illumina Laboratory Services, Illumina
Classification: Benign for Hypoalphalipoproteinemia, primary, 1. Last evaluated: 2018-01-13. Review status: criteria provided, single submitter. Criteria: ICSL Variant Classification Criteria 13 December 2019. Collection method: clinical testing. Allele origin: germline.
Comment: This variant was observed in the ICSL laboratory as part of a predisposition screen in an ostensibly healthy population. It had not been previously curated by ICSL or reported in the Human Gene Mutation Database (HGMD: prior to June 1st, 2018), and was therefore a candidate for classification through an automated scoring system. Utilizing variant allele frequency, disease prevalence and penetrance estimates, and inheritance mode, an automated score was calculated to assess if this variant is too frequent to cause the disease. Based on the score and internal cut-off values, a variant classified as benign is not then subjected to further curation. The score for this variant resulted in a classification of benign for this disease.

NM_005502.4(ABCA1):c.*3087C>T

Genes: ABCA1 (ATP binding cassette subfamily A member 1; minus strand), NIPSNAP3B (nipsnap homolog 3B; plus strand). Cytogenetic location: 9q31.1.
Variant type: single nucleotide variant.
Coding change: c.*3087C>T on transcript NM_005502.4 (MANE Select); 3087 bases downstream of the stop codon, C replaced by T.
Molecular consequence: 3 prime UTR variant.
Genome position (GRCh38, 1-based): chr9:104,781,228, G>A on the plus strand (C>T on the coding strand, the complement: ABCA1 is on the minus strand). VCF-style: chr9-104781228-G-A. GRCh37 (hg19) VCF-style: chr9-107543509-G-A.
Identifiers: ClinVar variation 364324 (VCV000364324.5), dbSNP rs190539368, ClinGen allele CA10626112.